The following is an entry in ClinVar:

NM_006939.4(SOS2):c.2249T>G (p.Ile750Ser)

Gene: SOS2 (SOS Ras/Rho guanine nucleotide exchange factor 2; minus strand). Cytogenetic location: 14q21.3.
Variant type: single nucleotide variant.
Coding change: c.2249T>G on transcript NM_006939.4 (MANE Select); coding-DNA position 2249, T replaced by G.
Protein change: p.Ile750Ser; replaces isoleucine 750 with serine.
Molecular consequence: missense variant.
Genome position (GRCh38, 1-based): chr14:50,150,143, A>C on the plus strand (T>G on the coding strand, the complement: SOS2 is on the minus strand). VCF-style: chr14-50150143-A-C. GRCh37 (hg19) VCF-style: chr14-50616861-A-C.
Other names: c.2150T>G, p.Ile717Ser (NM_001411020.1); short protein forms I717S, I750S.
Identifiers: ClinVar variation 1714619 (VCV001714619.6), dbSNP rs2502942598, ClinGen allele CA389643871.
Genomic context (GRCh38, chr14:50,150,143, plus strand): 5'-TCAAACTGTCCTGGTTTGCTGATATGCCATTCAATTGGTGGAGGTGGACTTTCAAAGGTA[A>C]TATTATGGCTTACTCCGTTTGCCTGAGCTTGCTTCTTCCTCCTGATGATCTTAGCAATTG-3'
Protein context (NP_008870.2, residues 740-760): QAQANGVSHN[Ile750Ser]TFESPPPPIE

ClinVar aggregate classification (germline): Uncertain significance (1 of 4 stars; one submission).

Conditions:
Noonan syndrome 9 (NS9). Identifiers: Orphanet 648, MedGen C4225282, MONDO:0014691, OMIM 616559.

Allele frequency attached by ClinVar (database versions not stated): gnomAD exomes below 0.00001.
gnomAD v4.1: 3 of 1,613,314 alleles (0.00019%); highest among the groups gnomAD compares: Non-Finnish European, 0.00025%; no homozygotes.

Submission:

Labcorp Genetics (formerly Invitae), Labcorp
Classification: Uncertain significance for Noonan syndrome 9. Last evaluated: 2022-07-31. Review status: criteria provided, single submitter. Criteria: Invitae Variant Classification Sherloc (09022015). Collection method: clinical testing. Allele origin: germline.
Comment: Algorithms developed to predict the effect of missense changes on protein structure and function are either unavailable or do not agree on the potential impact of this missense change (SIFT: "Tolerated"; PolyPhen-2: "Probably Damaging"; Align-GVGD: "Class C35"). This variant has not been reported in the literature in individuals affected with SOS2-related conditions. This variant is not present in population databases (gnomAD no frequency). This sequence change replaces isoleucine, which is neutral and non-polar, with serine, which is neutral and polar, at codon 750 of the SOS2 protein (p.Ile750Ser). In summary, the available evidence is currently insufficient to determine the role of this variant in disease. Therefore, it has been classified as a Variant of Uncertain Significance.